The following is an entry in ClinVar:

ClinVar aggregate classification (germline): Uncertain significance (1 of 4 stars; one submission).

Conditions:
Cardiovascular phenotype. Identifiers: MedGen CN230736.

gnomAD v4.1: 6 of 1,613,948 alleles (0.00037%); highest among the groups gnomAD compares: Non-Finnish European, 0.00051%; no homozygotes.

Submission:

Ambry Genetics
Classification: Uncertain significance for Cardiovascular phenotype. Last evaluated: 2024-12-06. Review status: criteria provided, single submitter. Criteria: Ambry Variant Classification Scheme 2023. Collection method: clinical testing. Allele origin: germline.
Comment: The p.A1206S variant (also known as c.3616G>T), located in coding exon 50 of the COL1A2 gene, results from a G to T substitution at nucleotide position 3616. The alanine at codon 1206 is replaced by serine, an amino acid with similar properties. This amino acid position is well conserved in available vertebrate species. In addition, the in silico prediction for this alteration is inconclusive. Based on the available evidence, the clinical significance of this variant remains unclear.

NM_000089.4(COL1A2):c.3616G>T (p.Ala1206Ser)

Gene: COL1A2 (collagen type I alpha 2 chain; plus strand). Cytogenetic location: 7q21.3.
Variant type: single nucleotide variant.
Coding change: c.3616G>T on transcript NM_000089.4 (MANE Select); coding-DNA position 3616, G replaced by T.
Protein change: p.Ala1206Ser; replaces alanine 1206 with serine.
Molecular consequence: missense variant.
Genome position (GRCh38, 1-based): chr7:94,428,382, G>T. VCF-style: chr7-94428382-G-T. GRCh37 (hg19) VCF-style: chr7-94057694-G-T.
Other names: short protein forms A1206S.
Identifiers: ClinVar variation 3495267 (VCV003495267.1).